The following is an entry in ClinVar:

NM_144596.4(TTC8):c.56A>C (p.Lys19Thr)

Gene: TTC8 (tetratricopeptide repeat domain 8; plus strand). Cytogenetic location: 14q31.3.
Variant type: single nucleotide variant.
Coding change: c.56A>C on transcript NM_144596.4 (MANE Select); coding-DNA position 56, A replaced by C.
Protein change: p.Lys19Thr; replaces lysine 19 with threonine.
Molecular consequence: missense variant. On other transcripts: 5 prime UTR variant (2), non-coding transcript variant (1).
Genome position (GRCh38, 1-based): chr14:88,824,763, A>C. VCF-style: chr14-88824763-A-C. GRCh37 (hg19) VCF-style: chr14-89291107-A-C.
Other names: c.56A>C, p.Lys19Thr (NM_001288781.1, NM_001366535.2, NM_001366536.2 and 2 more transcripts); c.-507A>C (NM_001288782.1); c.-602A>C (NM_001288783.1); short protein forms K19T.
Identifiers: ClinVar variation 3344767 (VCV003344767.1).

ClinVar aggregate classification (germline): Uncertain significance (0 of 4 stars; one submission).

Conditions:
TTC8-related disorder. Also called: TTC8-related condition.

gnomAD v4.1: 15 of 1,613,356 alleles (0.00093%); highest among the groups gnomAD compares: Non-Finnish European, 0.0013%; no homozygotes.

Submission:

PreventionGenetics, part of Exact Sciences
Classification: Uncertain significance for TTC8-related condition. Last evaluated: 2024-04-12. Review status: no assertion criteria provided. Collection method: clinical testing. Allele origin: germline.
Comment: The TTC8 c.56A>C variant is predicted to result in the amino acid substitution p.Lys19Thr. To our knowledge, this variant has not been reported in the literature. This variant is reported in 0.00089% of alleles in individuals of European (Non-Finnish) descent in gnomAD. At this time, the clinical significance of this variant is uncertain due to the absence of conclusive functional and genetic evidence.